The following is an entry in ClinVar:

ClinVar aggregate classification (germline): Uncertain significance. Review status: criteria provided, multiple submitters, no conflicts (2 of 4 stars). 2 submissions from 2 submitters: Uncertain significance (2). Last evaluated 2024-02-22.

Conditions:
Hereditary cancer-predisposing syndrome. Also called: Neoplastic Syndromes, Hereditary; Tumor predisposition; Hereditary Cancer Syndrome; Hereditary neoplastic syndrome. Identifiers: Orphanet 140162, MedGen C0027672, MeSH D009386, MONDO:0015356.
Familial adenomatous polyposis 1 (FAP1). Also called: POLYPOSIS, ADENOMATOUS INTESTINAL; FAMILIAL ADENOMATOUS POLYPOSIS 1, ATTENUATED. Identifiers: MedGen C2713442, MONDO:0021056, OMIM 175100. Disease mechanism: loss of function.

gnomAD v4.1: 1 of 1,613,986 alleles (0.000062%); highest among the groups gnomAD compares: South Asian, 0.0011%; no homozygotes.

Submissions (2):

Ambry Genetics
Classification: Uncertain significance for Hereditary cancer-predisposing syndrome. Last evaluated: 2024-02-22. Review status: criteria provided, single submitter. Criteria: Ambry Variant Classification Scheme 2023. Collection method: clinical testing. Allele origin: germline.
Comment: The p.H2496R variant (also known as c.7487A>G), located in coding exon 15 of the APC gene, results from an A to G substitution at nucleotide position 7487. The histidine at codon 2496 is replaced by arginine, an amino acid with highly similar properties. This amino acid position is well conserved in available vertebrate species. In addition, in silico predictors for this gene do not accurately predict pathogenicity. Based on the available evidence, the clinical significance of this alteration remains unclear.

Labcorp Genetics (formerly Invitae), Labcorp
Classification: Uncertain significance for Familial adenomatous polyposis 1. Last evaluated: 2022-03-22. Review status: criteria provided, single submitter. Criteria: Invitae Variant Classification Sherloc (09022015). Collection method: clinical testing. Allele origin: germline.
Comment: In summary, the available evidence is currently insufficient to determine the role of this variant in disease. Therefore, it has been classified as a Variant of Uncertain Significance. Algorithms developed to predict the effect of missense changes on protein structure and function are either unavailable or do not agree on the potential impact of this missense change (SIFT: "Tolerated"; PolyPhen-2: "Possibly Damaging"; Align-GVGD: "Class C0"). ClinVar contains an entry for this variant (Variation ID: 652009). This variant has not been reported in the literature in individuals affected with APC-related conditions. This variant is not present in population databases (gnomAD no frequency). This sequence change replaces histidine, which is basic and polar, with arginine, which is basic and polar, at codon 2496 of the APC protein (p.His2496Arg).

NM_000038.6(APC):c.7487A>G (p.His2496Arg)

Gene: APC (APC regulator of Wnt signaling pathway; plus strand). Cytogenetic location: 5q22.2.
Variant type: single nucleotide variant.
Coding change: c.7487A>G on transcript NM_000038.6 (MANE Select); coding-DNA position 7487, A replaced by G.
Protein change: p.His2496Arg; replaces histidine 2496 with arginine.
Molecular consequence: missense variant.
Genome position (GRCh38, 1-based): chr5:112,843,081, A>G. VCF-style: chr5-112843081-A-G. GRCh37 (hg19) VCF-style: chr5-112178778-A-G.
Other names: c.7487A>G, p.His2496Arg (NM_001127510.3, NM_001354895.2); c.7433A>G, p.His2478Arg (NM_001127511.3); c.7541A>G, p.His2514Arg (NM_001354896.2); c.7517A>G, p.His2506Arg (NM_001354897.2); c.7412A>G, p.His2471Arg (NM_001354898.2); c.7403A>G, p.His2468Arg (NM_001354899.2); c.7364A>G, p.His2455Arg (NM_001354900.2); c.7310A>G, p.His2437Arg (NM_001354901.2); and 5 more; short protein forms H2455R, H2468R, H2478R, H2514R, H2213R, H2336R, H2370R, H2395R.
Identifiers: ClinVar variation 652009 (VCV000652009.12), dbSNP rs1580683176, ClinGen allele CA16037616.